The following is an entry in ClinVar:

NM_001244008.2(KIF1A):c.3203-10C>T

Gene: KIF1A (kinesin family member 1A; minus strand). Cytogenetic location: 2q37.3.
Variant type: single nucleotide variant.
Coding change: c.3203-10C>T on transcript NM_001244008.2 (MANE Select); 10 bases into the intron before coding-DNA position 3203, C replaced by T.
Molecular consequence: intron variant.
Genome position (GRCh38, 1-based): chr2:240,745,919, G>A on the plus strand (C>T on the coding strand, the complement: KIF1A is on the minus strand). VCF-style: chr2-240745919-G-A. GRCh37 (hg19) VCF-style: chr2-241685336-G-A.
Other names: c.2900-10C>T (NM_001379653.1, NM_001379650.1, NM_001379641.1 and 5 more transcripts); c.3176-10C>T (NM_001379645.1, NM_001379633.1, NM_001379642.1); c.3002-10C>T (NM_001379635.1, NM_001330290.2, NM_001379646.1 and 1 more transcripts); c.2900-13C>T (NM_001379640.1); c.3152-10C>T (NM_001379632.1); c.2975-10C>T (NM_001379637.1, NM_001379648.1); c.2927-10C>T (NM_001320705.2, NM_001379638.1, NM_001330289.2); c.3278-10C>T (NM_001379631.1); and 1 more.
Identifiers: ClinVar variation 1552217 (VCV001552217.11), dbSNP rs747471328, ClinGen allele CA2207869.

ClinVar aggregate classification (germline): Likely benign. Review status: criteria provided, multiple submitters, no conflicts (2 of 4 stars). 3 submissions from 3 submitters: Likely benign (2). 1 of the submissions does not count toward it. Last evaluated 2025-05-27.

Conditions:
Hereditary spastic paraplegia 30. Identifiers: Orphanet 101010, MedGen C5235139, MONDO:0012476.
Neuropathy, hereditary sensory, type 2C. Also called: KIF1A-Related HSAN2 (HSAN2C); Hereditary sensory and autonomic neuropathy type IIC. Identifiers: Orphanet 970, MedGen C3280168, MONDO:0013634, OMIM 614213.
Intellectual disability, autosomal dominant 9 (NESCAVS). Also called: KIF1A-Related Neurodevelopmental Disorder; NESCAV SYNDROME. Identifiers: Orphanet 662367, MedGen C5393830, MONDO:0013656, OMIM 614255.
KIF1A-related disorder. Also called: KIF1A-related disorders; KIF1A-related condition.

Allele frequency attached by ClinVar (database versions not stated): TOPMed below 0.00001; gnomAD 0.00001; gnomAD exomes 0.00001 and 0.00003; ExAC 0.00002.
gnomAD v4.1: 38 of 1,598,516 alleles (0.0024%); highest among the groups gnomAD compares: Admixed American, 0.0034%; no homozygotes.

Submissions (3):

Labcorp Genetics (formerly Invitae), Labcorp
Classification: Likely benign for Hereditary spastic paraplegia 30; Neuropathy, hereditary sensory, type 2C; Intellectual disability, autosomal dominant 9. Last evaluated: 2025-05-27. Review status: criteria provided, single submitter. Criteria: Invitae Variant Classification Sherloc (09022015). Collection method: clinical testing. Allele origin: germline.

Blueprint Genetics
Classification: Likely benign. Last evaluated: 2020-02-18. Review status: criteria provided, single submitter. Criteria: ACMG Guidelines, 2015. Collection method: clinical testing. Allele origin: germline.

PreventionGenetics, part of Exact Sciences
Classification: Likely benign for KIF1A-related condition. Last evaluated: 2022-04-27. Review status: no assertion criteria provided. Collection method: clinical testing. Allele origin: germline. Not counted in ClinVar's aggregate classification.
Comment: This variant is classified as likely benign based on ACMG/AMP sequence variant interpretation guidelines (Richards et al. 2015 PMID: 25741868, with internal and published modifications).